The following is an entry in ClinVar:

NM_000393.5(COL5A2):c.961-2A>G

Gene: COL5A2 (collagen type V alpha 2 chain; minus strand). Cytogenetic location: 2q32.2.
Variant type: single nucleotide variant.
Coding change: c.961-2A>G on transcript NM_000393.5 (MANE Select); the canonical splice acceptor site of the intron before coding-DNA position 961, A replaced by G.
Molecular consequence: splice acceptor variant.
Genome position (GRCh38, 1-based): chr2:189,079,109, T>C on the plus strand (A>G on the coding strand, the complement: COL5A2 is on the minus strand). VCF-style: chr2-189079109-T-C. GRCh37 (hg19) VCF-style: chr2-189943835-T-C.
Identifiers: ClinVar variation 4690199 (VCV004690199.1).
Genomic context (GRCh38, chr2:189,079,109, plus strand): 5'-AAACGAGCACATACCAGAGGACCCATGGCACCCATTGGACCAGTGGGGCCAGCTTCACCC[T>C]AAAAAAAAATGAGAATACATTACAGTATGAGAAGCCTACAACCGATACATCACTTTGTTC-3'

ClinVar aggregate classification (germline): Uncertain significance (1 of 4 stars; one submission).

Submission:

GeneDx
Classification: Uncertain significance. Last evaluated: 2025-07-31. Review status: criteria provided, single submitter. Criteria: GeneDx Variant Classification Process June 2021. Collection method: clinical testing. Allele origin: germline. Affected: yes.
Comment: Not observed at significant frequency in large population cohorts (gnomAD); Canonical splice site variant with an unclear effect on protein function; Has not been previously published as pathogenic or benign to our knowledge